The following is an entry in ClinVar:

NM_052813.5(CARD9):c.1348_1349del (p.Ser450fs)

Gene: CARD9 (caspase recruitment domain family member 9; minus strand). Cytogenetic location: 9q34.3.
Variant type: Microsatellite.
Coding change: c.1348_1349del on transcript NM_052813.5 (MANE Select); coding-DNA positions 1348 to 1349, 2 bases deleted (TC; older notation c.1348_1349delTC).
Protein change: p.Ser450fs; shifts the reading frame from serine 450.
Molecular consequence: frameshift variant.
Genome position (GRCh38, 1-based): chr9:136,366,808-136,366,809, GA deleted on the plus strand (TC on the coding strand, the reverse complement: CARD9 is on the minus strand); deleting any 2 consecutive bases within chr9:136,366,808-136,366,812 gives the same sequence; the c. name uses the placement nearest the transcript's 3' end. VCF-style (leftmost placement, unchanged base first): chr9-136366807-TGA-T. GRCh37 (hg19) VCF-style: chr9-139261259-TGA-T.
Other names: c.1348_1349del, p.Ser450fs (NM_052814.4); short protein forms S450fs.
Identifiers: ClinVar variation 2062936 (VCV002062936.4), dbSNP rs2538658638, ClinGen allele CA2580617153.

ClinVar aggregate classification (germline): Pathogenic (1 of 4 stars; one submission).

Conditions:
Predisposition to invasive fungal disease due to CARD9 deficiency (IMD103). Also called: Candidiasis, familial, 2, autosomal recessive; IMMUNODEFICIENCY 103, SUSCEPTIBILITY TO FUNGAL INFECTIONS; CARD9 IMMUNODEFICIENCY. Identifiers: Orphanet 457088, MedGen C1859353, MONDO:0008905, OMIM 212050.

Submission:

Labcorp Genetics (formerly Invitae), Labcorp
Classification: Pathogenic for Predisposition to invasive fungal disease due to CARD9 deficiency. Last evaluated: 2021-12-27. Review status: criteria provided, single submitter. Criteria: Invitae Variant Classification Sherloc (09022015). Collection method: clinical testing. Allele origin: germline.
Comment: This sequence change creates a premature translational stop signal (p.Ser450Argfs*29) in the CARD9 gene. It is expected to result in an absent or disrupted protein product. Loss-of-function variants in CARD9 are known to be pathogenic (PMID: 19864672, 24131138, 24231284). This variant is not present in population databases (gnomAD no frequency). For these reasons, this variant has been classified as Pathogenic. This variant has not been reported in the literature in individuals affected with CARD9-related conditions.

Literature cited by the submitters: PubMed 19864672; PubMed 24131138; PubMed 24231284.